The following is an entry in ClinVar:

ClinVar aggregate classification (germline): Pathogenic (1 of 4 stars; one submission).

Conditions:
Familial cancer of breast. Also called: Hereditary breast cancer; BREAST CANCER, FAMILIAL; hereditary breast carcinoma. Identifiers: Orphanet 227535, MedGen C0346153, MONDO:0016419, OMIM 114480. Disease mechanism: loss of function.

Submission:

Myriad Genetics, Inc.
Classification: Pathogenic for Familial cancer of breast. Last evaluated: 2023-05-19. Review status: criteria provided, single submitter. Criteria: Myriad Autosomal Dominant, Autosomal Recessive and X-Linked Classification Criteria (2023). Collection method: clinical testing. Allele origin: unknown.
Comment: This variant is considered pathogenic. This variant creates a frameshift predicted to result in premature protein truncation.

NM_000465.4(BARD1):c.631_632del (p.Leu211fs)

Gene: BARD1 (BRCA1 associated RING domain 1; minus strand). Cytogenetic location: 2q35.
Variant type: Deletion.
Coding change: c.631_632del on transcript NM_000465.4 (MANE Select); coding-DNA positions 631 to 632, 2 bases deleted (TT; older notation c.631_632delTT).
Protein change: p.Leu211fs; shifts the reading frame from leucine 211.
Molecular consequence: frameshift variant. On other transcripts: non-coding transcript variant (2), intron variant (3).
Genome position (GRCh38, 1-based): chr2:214,781,242-214,781,243, AA deleted on the plus strand (TT on the coding strand, the reverse complement: BARD1 is on the minus strand); deleting any 2 consecutive bases within chr2:214,781,242-214,781,244 gives the same sequence; the c. name uses the placement nearest the transcript's 3' end. VCF-style (leftmost placement, unchanged base first): chr2-214781241-TAA-T. GRCh37 (hg19) VCF-style: chr2-215645965-TAA-T.
Other names: c.574_575del, p.Leu192fs (NM_001282543.2); c.158+28169_158+28170del (NM_001282548.2); c.215+15818_215+15819del (NM_001282545.2); c.364+11054_364+11055del (NM_001282549.2); short protein forms L192fs, L211fs.
Identifiers: ClinVar variation 2583663 (VCV002583663.2), dbSNP rs999444545, ClinGen allele CA2582342102.
Genomic context (GRCh38, chr2:214,781,241, plus strand): 5'-GGAGTCAAATTCACCATCTTCTTTTTCTGCCTCTAAATTCCATTTTTGGTTGATTTCAGC[TAA>T]AGTTTTCTTTTTTTGCTTTTTTCCAGATCTTGCAGAAGCCTTTTTAGCCCTCTCAGAAAC-3'